The following is an entry in ClinVar:

ClinVar aggregate classification (germline): Uncertain significance. Review status: criteria provided, multiple submitters, no conflicts (2 of 4 stars). 2 submissions from 2 submitters: Uncertain significance (2). Last evaluated 2025-08-29.

Conditions:
Granulomatous disease, chronic, autosomal recessive, cytochrome b-positive, type 3. Also called: GRANULOMATOUS DISEASE, CHRONIC, DUE TO NCF4 DEFICIENCY; Granulomatous disease, chronic, autosomal recessive, cytochrome b-positive, type III; GRANULOMATOUS DISEASE, CHRONIC, AUTOSOMAL RECESSIVE, 3; CGD, AUTOSOMAL RECESSIVE CYTOCHROME b-POSITIVE, TYPE III. Identifiers: Orphanet 379, MedGen C3151409, MONDO:0013507, OMIM 613960.

Allele frequency attached by ClinVar (database versions not stated): gnomAD exomes 0.00003; gnomAD 0.00005 and 0.00006; TOPMed 0.00005; ExAC 0.00007; ESP Exome Variant Server 0.00008.
gnomAD v4.1: 160 of 1,611,620 alleles (0.0099%); highest among the groups gnomAD compares: Non-Finnish European, 0.013%; no homozygotes.

Submissions (2):

Ambry Genetics
Classification: Uncertain significance. Last evaluated: 2025-08-29. Review status: criteria provided, single submitter. Criteria: Ambry Variant Classification Scheme 2023. Collection method: clinical testing. Allele origin: germline.

Labcorp Genetics (formerly Invitae), Labcorp
Classification: Uncertain significance for Granulomatous disease, chronic, autosomal recessive, cytochrome b-positive, type 3. Last evaluated: 2022-09-19. Review status: criteria provided, single submitter. Criteria: Invitae Variant Classification Sherloc (09022015). Collection method: clinical testing. Allele origin: germline.
Comment: This sequence change replaces arginine, which is basic and polar, with glutamine, which is neutral and polar, at codon 213 of the NCF4 protein (p.Arg213Gln). This variant is present in population databases (rs376569226, gnomAD 0.009%). This variant has not been reported in the literature in individuals affected with NCF4-related conditions. ClinVar contains an entry for this variant (Variation ID: 643606). Algorithms developed to predict the effect of missense changes on protein structure and function output the following: SIFT: "Tolerated"; PolyPhen-2: "Benign"; Align-GVGD: "Class C0". The glutamine amino acid residue is found in multiple mammalian species, which suggests that this missense change does not adversely affect protein function. In summary, the available evidence is currently insufficient to determine the role of this variant in disease. Therefore, it has been classified as a Variant of Uncertain Significance.

NM_000631.5(NCF4):c.638G>A (p.Arg213Gln)

Gene: NCF4 (neutrophil cytosolic factor 4; plus strand). Cytogenetic location: 22q12.3.
Variant type: single nucleotide variant.
Coding change: c.638G>A on transcript NM_000631.5 (MANE Select); coding-DNA position 638, G replaced by A.
Protein change: p.Arg213Gln; replaces arginine 213 with glutamine.
Molecular consequence: missense variant.
Genome position (GRCh38, 1-based): chr22:36,875,663, G>A. VCF-style: chr22-36875663-G-A. GRCh37 (hg19) VCF-style: chr22-37271705-G-A.
Other names: c.638G>A, p.Arg213Gln (NM_013416.4); short protein forms R213Q.
Identifiers: ClinVar variation 643606 (VCV000643606.8), dbSNP rs376569226, ClinGen allele CA10213123.